The following is an entry in ClinVar:

NM_025179.4(PLXNA2):c.5051C>G (p.Thr1684Ser)

Gene: PLXNA2 (plexin A2; minus strand). Cytogenetic location: 1q32.2.
Variant type: single nucleotide variant.
Coding change: c.5051C>G on transcript NM_025179.4 (MANE Select); coding-DNA position 5051, C replaced by G.
Protein change: p.Thr1684Ser; replaces threonine 1684 with serine.
Molecular consequence: missense variant.
Genome position (GRCh38, 1-based): chr1:208,033,323, G>C on the plus strand (C>G on the coding strand, the complement: PLXNA2 is on the minus strand). VCF-style: chr1-208033323-G-C. GRCh37 (hg19) VCF-style: chr1-208206668-G-C.
Other names: c.5051C>G (NM_025179.3); short protein forms T1684S.
Identifiers: ClinVar variation 1920542 (VCV001920542.6), dbSNP rs751123015, ClinGen allele CA1372689.

ClinVar aggregate classification (germline): Uncertain significance. Review status: criteria provided, single submitter (1 of 4 stars). 2 submissions from 2 submitters: Uncertain significance (1). 1 of the submissions does not count toward it. Last evaluated 2022-07-05.

Conditions:
PLXNA2-related disorder. Also called: PLXNA2-related condition.

Allele frequency attached by ClinVar (database versions not stated): ExAC 0.00001; gnomAD 0.00001; gnomAD exomes 0.00001; TOPMed 0.00002.
gnomAD v4.1: 18 of 1,611,940 alleles (0.0011%); highest among the groups gnomAD compares: Non-Finnish European, 0.0014%; no homozygotes.

Submissions (2):

Labcorp Genetics (formerly Invitae), Labcorp
Classification: Uncertain significance. Last evaluated: 2022-07-05. Review status: criteria provided, single submitter. Criteria: Invitae Variant Classification Sherloc (09022015). Collection method: clinical testing. Allele origin: germline.
Comment: This sequence change replaces threonine, which is neutral and polar, with serine, which is neutral and polar, at codon 1684 of the PLXNA2 protein (p.Thr1684Ser). This variant is present in population databases (rs751123015, gnomAD 0.0009%). This variant has not been reported in the literature in individuals affected with PLXNA2-related conditions. Algorithms developed to predict the effect of missense changes on protein structure and function are either unavailable or do not agree on the potential impact of this missense change (SIFT: "Tolerated"; PolyPhen-2: "Probably Damaging"; Align-GVGD: "Class C0"). In summary, the available evidence is currently insufficient to determine the role of this variant in disease. Therefore, it has been classified as a Variant of Uncertain Significance.

PreventionGenetics, part of Exact Sciences
Classification: Uncertain significance for PLXNA2-related condition. Last evaluated: 2024-08-07. Review status: no assertion criteria provided. Collection method: clinical testing. Allele origin: germline. Not counted in ClinVar's aggregate classification.
Comment: The PLXNA2 c.5051C>G variant is predicted to result in the amino acid substitution p.Thr1684Ser. To our knowledge, this variant has not been reported in the literature. This variant is reported in 0.00089% of alleles in individuals of European (Non-Finnish) descent in gnomAD. At this time, the clinical significance of this variant is uncertain due to the absence of conclusive functional and genetic evidence.